The following is an entry in ClinVar:

ClinVar aggregate classification (germline): Benign/Likely benign. Review status: criteria provided, multiple submitters, no conflicts (2 of 4 stars). 4 submissions from 4 submitters: Benign (1); Likely benign (3). Last evaluated 2026-05-20.

Conditions:
Hereditary cancer-predisposing syndrome. Also called: Hereditary neoplastic syndrome; Neoplastic Syndromes, Hereditary; Hereditary Cancer Syndrome; Tumor predisposition. Identifiers: Orphanet 140162, MedGen C0027672, MeSH D009386, MONDO:0015356.
Cardiovascular phenotype. Identifiers: MedGen CN230736.
Neurofibromatosis, type 1 (NF1). Also called: Peripheral type neurofibromatosis; Neurofibromatosis, type I; VON RECKLINGHAUSEN DISEASE; NEUROFIBROMATOSIS, TYPE I, SOMATIC. Identifiers: Orphanet 636, MedGen C0027831, MONDO:0018975, OMIM 162200. Disease mechanism: loss of function.

Allele frequency attached by ClinVar (database versions not stated): TOPMed below 0.00001.

Submissions (4):

Myriad Genetics, Inc.
Classification: Benign for Neurofibromatosis, type 1. Last evaluated: 2026-05-20. Review status: criteria provided, single submitter. Criteria: Myriad Autosomal Dominant, Autosomal Recessive and X-Linked Classification Criteria (2023). Collection method: clinical testing. Allele origin: unknown.
Comment: This variant is considered benign. This variant is a silent/synonymous amino acid change and it is not expected to impact splicing.

Labcorp Genetics (formerly Invitae), Labcorp
Classification: Likely benign for Neurofibromatosis, type 1. Last evaluated: 2025-12-02. Review status: criteria provided, single submitter. Criteria: Invitae Variant Classification Sherloc (09022015). Collection method: clinical testing. Allele origin: germline.

Genome-Nilou Lab
Classification: Likely benign for Neurofibromatosis, type 1. Last evaluated: 2022-03-15. Review status: criteria provided, single submitter. Criteria: ACMG Guidelines, 2015. Collection method: clinical testing. Allele origin: germline. Affected: no.

Ambry Genetics
Classification: Likely benign for Cardiovascular phenotype; Hereditary cancer-predisposing syndrome. Last evaluated: 2016-11-23. Review status: criteria provided, single submitter. Criteria: Ambry General Variant Classification Scheme_2022. Collection method: clinical testing. Allele origin: germline. Observed: 1 variant allele.

NM_001042492.3(NF1):c.5175A>G (p.Lys1725=)

Gene: NF1 (neurofibromin 1; plus strand). Cytogenetic location: 17q11.2.
Variant type: single nucleotide variant.
Coding change: c.5175A>G on transcript NM_001042492.3 (MANE Select); coding-DNA position 5175, A replaced by G.
Protein change: p.Lys1725=; no amino-acid change (lysine 1725 retained).
Molecular consequence: synonymous variant.
Genome position (GRCh38, 1-based): chr17:31,326,159, A>G. VCF-style: chr17-31326159-A-G. GRCh37 (hg19) VCF-style: chr17-29653177-A-G.
Other names: c.5112A>G, p.Lys1704= (NM_000267.4).
Identifiers: ClinVar variation 480109 (VCV000480109.12), dbSNP rs1372069749, ClinGen allele CA499233185.